The following is an entry in ClinVar:

ClinVar aggregate classification (germline): Likely pathogenic (1 of 4 stars; one submission).

Conditions:
Fanconi renotubular syndrome 2 (FRTS2). Identifiers: MedGen C3150652, MONDO:0013247, OMIM 613388.
Hypophosphatemic nephrolithiasis/osteoporosis 1. Identifiers: Orphanet 244305, MedGen C2676786, MONDO:0012850, OMIM 612286.
Hypercalcemia, infantile, 2 (HCINF2). Identifiers: Orphanet 300547, MedGen C4310473, MONDO:0014851, OMIM 616963.

gnomAD v4.1: 1 of 1,611,748 alleles (0.000062%); highest among the groups gnomAD compares: Non-Finnish European, 0.000085%; no homozygotes.

Submission:

Rare Kidney Stone Consortium and the Mayo Clinic Hyperoxaluria Center, Mayo Clinic
Classification: Likely pathogenic for Fanconi renotubular syndrome 2; Hypercalcemia, infantile, 2; Hypophosphatemic nephrolithiasis/osteoporosis 1. Last evaluated: 2025-10-03. Review status: criteria provided, single submitter. Criteria: ACMG Guidelines, 2015. Collection method: research. Allele origin: germline. Affected: yes. Observed: 1 variant allele.
Comment: ACMG:PS4, PM1, PM2, PM6, PP3, PP4

Literature cited by the submitters: PubMed 40794449.

NM_003052.5(SLC34A1):c.1739C>T (p.Pro580Leu)

Gene: SLC34A1 (solute carrier family 34 member 1; plus strand). Cytogenetic location: 5q35.3.
Variant type: single nucleotide variant.
Coding change: c.1739C>T on transcript NM_003052.5 (MANE Select); coding-DNA position 1739, C replaced by T.
Protein change: p.Pro580Leu; replaces proline 580 with leucine.
Molecular consequence: missense variant.
Genome position (GRCh38, 1-based): chr5:177,398,105, C>T. VCF-style: chr5-177398105-C-T. GRCh37 (hg19) VCF-style: chr5-176825106-C-T.
Other names: short protein forms P580L.
Identifiers: ClinVar variation 4526810 (VCV004526810.1).